The following is an entry in ClinVar:

NM_001375524.1(TRRAP):c.7399G>A (p.Glu2467Lys)

Gene: TRRAP (transformation/transcription domain associated protein; plus strand). Cytogenetic location: 7q22.1.
Variant type: single nucleotide variant.
Coding change: c.7399G>A on transcript NM_001375524.1 (MANE Select); coding-DNA position 7399, G replaced by A.
Protein change: p.Glu2467Lys; replaces glutamic acid 2467 with lysine.
Molecular consequence: missense variant.
Genome position (GRCh38, 1-based): chr7:98,967,585, G>A. VCF-style: chr7-98967585-G-A. GRCh37 (hg19) VCF-style: chr7-98565208-G-A.
Other names: c.7378G>A, p.Glu2460Lys (NM_001244580.2); c.7324G>A, p.Glu2442Lys (NM_003496.4); short protein forms E2467K, E2460K, E2442K.
Identifiers: ClinVar variation 3329361 (VCV003329361.3).

ClinVar aggregate classification (germline): Uncertain significance. Review status: criteria provided, multiple submitters, no conflicts (2 of 4 stars). 2 submissions from 2 submitters: Uncertain significance (2). Last evaluated 2025-08-11.

Conditions:
Inborn genetic diseases. Identifiers: MedGen C0950123, MeSH D030342.

gnomAD v4.1: 9 of 1,613,992 alleles (0.00056%); highest among the groups gnomAD compares: South Asian, 0.0033%; no homozygotes.

Submissions (2):

Labcorp Genetics (formerly Invitae), Labcorp
Classification: Uncertain significance. Last evaluated: 2025-08-11. Review status: criteria provided, single submitter. Criteria: Invitae Variant Classification Sherloc (09022015). Collection method: clinical testing. Allele origin: germline.
Comment: This sequence change replaces glutamic acid, which is acidic and polar, with lysine, which is basic and polar, at codon 2442 of the TRRAP protein (p.Glu2442Lys). This variant is present in population databases (rs752243631, gnomAD 0.003%). This variant has not been reported in the literature in individuals affected with TRRAP-related conditions. ClinVar contains an entry for this variant (Variation ID: 3329361). Invitae Evidence Modeling of protein sequence and biophysical properties (such as structural, functional, and spatial information, amino acid conservation, physicochemical variation, residue mobility, and thermodynamic stability) indicates that this missense variant is not expected to disrupt TRRAP protein function with a negative predictive value of 80%. In summary, the available evidence is currently insufficient to determine the role of this variant in disease. Therefore, it has been classified as a Variant of Uncertain Significance.

Ambry Genetics
Classification: Uncertain significance for Inborn genetic diseases. Last evaluated: 2024-05-16. Review status: criteria provided, single submitter. Criteria: Ambry Variant Classification Scheme 2023. Collection method: clinical testing. Allele origin: germline.